The following is an entry in ClinVar:

NM_000093.5(COL5A1):c.1114_1115del (p.Ala372fs)

Gene: COL5A1 (collagen type V alpha 1 chain; plus strand). Cytogenetic location: 9q34.3.
Variant type: Microsatellite.
Coding change: c.1114_1115del on transcript NM_000093.5 (MANE Select); coding-DNA positions 1114 to 1115, 2 bases deleted (GC; older notation c.1114_1115delGC).
Protein change: p.Ala372fs; shifts the reading frame from alanine 372.
Molecular consequence: frameshift variant.
Genome position (GRCh38, 1-based): chr9:134,730,425-134,730,426, GC deleted; deleting any 2 consecutive bases within chr9:134,730,423-134,730,426 gives the same sequence; the c. name uses the placement nearest the transcript's 3' end. VCF-style (leftmost placement, unchanged base first): chr9-134730422-GGC-G. GRCh37 (hg19) VCF-style: chr9-137622268-GGC-G.
Other names: c.1114_1115del, p.Ala372fs (NM_001278074.1); short protein forms A372fs.
Identifiers: ClinVar variation 2005621 (VCV002005621.4), dbSNP rs2490501961, ClinGen allele CA2580617140.
Genomic context (GRCh38, chr9:134,730,422, plus strand): 5'-CCGTATGATGACCTCACCTATGGCGAGGGGGAGGAGAACCCCGACCAGCCCACAGACCCA[GGC>G]GCTGGGGCCGAAATTCCCACCAGCACCGCCGACACCTCCAACTCCTCCAATGTAATTTCT-3'

ClinVar aggregate classification (germline): Pathogenic (1 of 4 stars; one submission).

Conditions:
Ehlers-Danlos syndrome, classic type, 1 (EDSCL1). Also called: EHLERS-DANLOS SYNDROME, GRAVIS TYPE; EHLERS-DANLOS SYNDROME, SEVERE CLASSIC TYPE; Ehlers-Danlos syndrome, type 1; EDS I; Ehlers-Danlos Syndrome, Classic Type, COL5A1-Related. Identifiers: MedGen C0268335, MONDO:0019567, OMIM 130000.

Submission:

Labcorp Genetics (formerly Invitae), Labcorp
Classification: Pathogenic for Ehlers-Danlos syndrome, classic type, 1. Last evaluated: 2022-06-13. Review status: criteria provided, single submitter. Criteria: Invitae Variant Classification Sherloc (09022015). Collection method: clinical testing. Allele origin: germline.
Comment: For these reasons, this variant has been classified as Pathogenic. This variant has not been reported in the literature in individuals affected with COL5A1-related conditions. This variant is not present in population databases (gnomAD no frequency). This sequence change creates a premature translational stop signal (p.Ala372Trpfs*27) in the COL5A1 gene. It is expected to result in an absent or disrupted protein product. Loss-of-function variants in COL5A1 are known to be pathogenic (PMID: 23587214).

Literature cited by the submitters: PubMed 23587214.